The following continues an entry in ClinVar:

NM_001276345.2(TNNT2):c.862C>T (p.Arg288Cys)

Gene: TNNT2. ClinVar aggregate classification (germline): Likely benign. Likely benign (1).

Submissions 14 to 20 of 36:

Women's Health and Genetics/Laboratory Corporation of America, LabCorp
Classification: Uncertain significance. Last evaluated: 2024-05-06. Review status: criteria provided, single submitter. Criteria: LabCorp Variant Classification Summary - May 2015. Collection method: clinical testing. Allele origin: germline. Not counted in ClinVar's aggregate classification.
Comment: Variant summary: TNNT2 c.832C>T (p.Arg278Cys) results in a non-conservative amino acid change in the encoded protein sequence. Three of three in-silico tools predict a damaging effect of the variant on protein function. The variant allele was found at a frequency of 0.00036 in 245204 control chromosomes, predominantly at a frequency of 0.00063 within the Non-Finnish European subpopulation in the gnomAD database. The observed variant frequency within Non-Finnish European control individuals in the gnomAD database is approximately 3 fold of the estimated maximal expected allele frequency for a pathogenic variant in TNNT2 causing Hypertrophic Cardiomyopathy With Sudden Cardiac Death phenotype (0.00025), strongly suggesting that the variant is a benign polymorphism found primarily in populations of Non-Finnish European origin. However, these occurrences do need to be cautiously considered due to the cohort harboring individuals that could have a TNNT2 phenotype. The variant has been reported to cause a high risk of sudden death even in cases without HCM, and has been found in patients with a family history of sudden death, both early and late in life (Miliou_2005, Gruner_2011, Brito_2012, Theopsitou_2004, Millat_2011, and Elliot_1999). In the literature, this variant has been found to co-occur with other variants that may explain the phenotype or confer a modifying affect (MYH7 c.2782G>A, MYH7 c.2167C>T, MYBPC3 c.1505G>A, MYBPC3 c.2198G>A, MYBPC3 c.1828G>C). While there are many published studies finding the variant in HCM patients, most do not screen multiple genes or report co-occurrence information, and thus the presence of another variant causing the phenotype cannot be ruled out. In addition, many family studies indicate the variant does not cosegregate with disease and/or has low penetrance (Ripoll-Soler_2017, Gimeno_2009, Garcio-Castro_2009). Functional studies have reported the variant to lead to increased Ca2+ sensitivity of ATP in rabbit cardiac myofibrils (Yanaga_1999) but not for skinned preparations from transgenic mouse hearts (Hernandez_2005). In addition, although transgenic mice carrying the variant neither exhibited extensive ventricular fibrosis nor developed significant hypertrophy (Hernandez_2005), they did exhibit significant impairment due to diastolic function (Sirenko_2006). While these functional studies may suggest the variant plays a role in muscle function, the biological relevance of these studies for humans is unclear. The following publications have been ascertained in the context of this evaluation (PMID: 26743238, 22857948, 24418317, 22500102, 10610467, 17101185, 19150014, 20038417, 21511876, 16115869, 28241245, 16199542, 20031618, 28771489, 21683708, 15958377, 20624503, 21846512, 10405326, 26507537, 16777946, 10617660, 15246915, 14636924, 12860912, 29121657, 7898523, 28193612, 10085122, 16715312). ClinVar contains an entry for this variant (Variation ID: 12411). Based on the evidence outlined above, the variant was classified as uncertain significance.

Fulgent Genetics
Classification: Uncertain significance for Hypertrophic cardiomyopathy 2; Dilated cardiomyopathy 1D; Cardiomyopathy, familial restrictive, 3. Last evaluated: 2024-03-18. Review status: criteria provided, single submitter. Criteria: ACMG Guidelines, 2015. Collection method: clinical testing. Allele origin: germline. Not counted in ClinVar's aggregate classification.

Institute of Human Genetics, University of Leipzig Medical Center
Classification: Uncertain significance for Hypertrophic cardiomyopathy 2. Last evaluated: 2023-12-15. Review status: criteria provided, single submitter. Criteria: ACMG Guidelines, 2015. Collection method: clinical testing. Allele origin: unknown. Inheritance: Autosomal dominant inheritance. Affected: yes. Not counted in ClinVar's aggregate classification.

CeGaT Center for Human Genetics Tuebingen
Classification: Uncertain significance. Last evaluated: 2023-05-01. Review status: criteria provided, single submitter. Criteria: CeGaT Center For Human Genetics Tuebingen Variant Classification Criteria Version 2. Collection method: clinical testing. Allele origin: germline. Affected: yes. Observed: 1 variant allele. Not counted in ClinVar's aggregate classification.
Comment: TNNT2: PM5, PP1, PP4, PS3:Supporting

CHEO Genetics Diagnostic Laboratory, Children's Hospital of Eastern Ontario
Classification: Uncertain significance for Cardiomyopathy. Last evaluated: 2023-04-20. Review status: criteria provided, single submitter. Criteria: ACMG Guidelines, 2015. Collection method: clinical testing. Allele origin: germline. Not counted in ClinVar's aggregate classification.

Laboratory for Molecular Medicine, Mass General Brigham Personalized Medicine
Classification: Uncertain significance for Hypertrophic cardiomyopathy. Last evaluated: 2023-03-27. Review status: criteria provided, single submitter. Criteria: ACMG Guidelines, 2015. Collection method: clinical testing. Allele origin: germline. Not counted in ClinVar's aggregate classification.
Comment: The p.Arg278Cys variant in TNNT2 has been reported in >30 individuals with clinical features of HCM and segregated with disease in at least 5 affected individuals (including one affected obligate carrier) from multiple families (Watkins 1995 PMID: 7898523, Elliott 1999 PMID: 10610467, Garcia-Castro 2003 PMID: 12881443, Torricelli 2003 PMID: 14636924, Van Driest 2003 PMID: 12860912, Theopistou 2004 PMID: 15246915, Ingles 2005 PMID: 16199542, Zeller 2006 PMID: 16715312, Kaski 2009 PMID: 20031618, Gimeno 2009 PMID: 20038417, Millat 2010 PMID: 20624503, Brito 2012 PMID: 22857948, Rubattu 2016 PMID: 27483260, LMM data). This variant has been identified by our laboratory in several individuals with HCM, though approximately half of them carried a second clinically significant variant in another gene. Many affected individuals carrying the p.Arg278Cys variant present at age 50 or older, suggesting a milder effect (LMM data). This variant has also been reported by other clinical laboratories in ClinVar (Variation ID: 12411) and has been identified in 0.066% (45/68030) European chromosomes by gnomAD (v.3.1.2). Please note that for diseases with clinical variability, reduced penetrance, or recessive inheritance, pathogenic variants may be present at a low frequency in the general population. Experimental studies evaluating the functional impact of this variant are conflicting: Animal models have shown that this variant does not cause significant hypertrophy or ventricular fibrosis even after chronic exercise challenge, and no difference in either ATPase calcium sensitivity or contractile force in muscle fibers ex vivo and in vitro (Hernandez 2005 PMID: 16115869), while in vitro functional studies show that this variant increases Ca2+ sensitivity and leads to abnormal myosin cross-bridges (Morimoto 1999 PMID 10405326, Yanaga 1999 PMID 10085122, Szczesna 2000 PMID 10617660, Schuldt 2021 PMID 33148509). Computational prediction tools do not provide evidence for or against an impact to the protein. In summary, while there is suspicion of a pathogenic role, likely with a milder effect when present in isolation, the clinical significance of this variant is uncertain. This variant should be interpreted carefully in the context of the individual’s age at onset. The ACMG/AMP Criteria applied: PS4_Supporting, PP1_Moderate, BP5.

New York Genome Center
Classification: Uncertain significance for Dilated cardiomyopathy 1D; Cardiomyopathy, familial restrictive, 3; Hypertrophic cardiomyopathy 2. Last evaluated: 2023-01-23. Review status: criteria provided, single submitter. Criteria: NYGC Assertion Criteria 2020. Collection method: clinical testing. Allele origin: inherited. Observed: 1 heterozygote. Not counted in ClinVar's aggregate classification.
Comment: The inherited heterozygous c.832C>T p.(Arg278Cys) variant in TNNT2 has previously been reported in multiple individuals affected with hypertrophic cardiomyopathy and/or dilated cardiomyopathy [PMID: 7898523, 10610467, 12860912, 14636924, 15246915, 16199542, 16715312, 20031618, 25611685,30645170, 33148509, 21846512, 24503780], though a subset of those individuals also carried a variant in MYH7 and/or MYBPC3 genes that may explain their cardiac phenotype [PMID: 20038417, 20031618, 26507537, 19150014]. There are also multiple familial studies in which this variant didn’t not co-segregate with disease and exhibited reduced penetrance [PMID:26507537, 15958377, 7898523, 20038417, 19150014, 32731933]. The c.832C>T variant has been deposited in ClinVar [ClinVarID: 12411] with conflicting interpretations of pathogenicity; Pathogenic (1 entry), Likely pathogenic (6 entries), and Uncertain significance (16 entries). The c.832C>Tvariant is observed in 219 alleles (0.00037 minor allele frequency with 0 homozygotes) in population databases (gnomAD v2.1.1 and v3.1.2, TOPMed Freeze 8). The c.832C>T variant is located in the last exon of this 16-exon gene and is predicted to replace a moderately conserved arginine amino acid with cysteine at position 278in the alpha tropomyosin and actin-binding domain of the encoded protein [PMID:20624503]. Functional studies have revealed conflicting results about potential pathogenicity of this variant [PMID:10405326, 10085122, 10617660, 11432788, 21683708, 22500102, 24418317, 33148509]. Given the lack of compelling evidence for its pathogenicity, this inherited c.832C>T p.(Arg278Cys) variant identified in TNNT2 is classified as a Variant of UncertainSignificance.